The following is an entry in ClinVar:

NM_004655.4(AXIN2):c.308A>G (p.Lys103Arg)

Gene: AXIN2 (axin 2; minus strand). Cytogenetic location: 17q24.1.
Variant type: single nucleotide variant.
Coding change: c.308A>G on transcript NM_004655.4 (MANE Select); coding-DNA position 308, A replaced by G.
Protein change: p.Lys103Arg; replaces lysine 103 with arginine.
Molecular consequence: missense variant.
Genome position (GRCh38, 1-based): chr17:65,558,313, T>C on the plus strand (A>G on the coding strand, the complement: AXIN2 is on the minus strand). VCF-style: chr17-65558313-T-C. GRCh37 (hg19) VCF-style: chr17-63554431-T-C.
Other names: c.308A>G, p.Lys103Arg (NM_001363813.1); c.308A>G (LRG_296t1); short protein forms K103R.
Identifiers: ClinVar variation 650944 (VCV000650944.12), dbSNP rs186514805, ClinGen allele CA8719067.

ClinVar aggregate classification (germline): Uncertain significance. Review status: criteria provided, multiple submitters, no conflicts (2 of 4 stars). 3 submissions from 3 submitters: Uncertain significance (3). Last evaluated 2025-03-14.

Conditions:
Colorectal cancer. Also called: Malignant Colorectal Neoplasm; Colorectal cancer, somatic. Identifiers: MedGen C0346629, MONDO:0005575, OMIM 114500.
Hereditary cancer-predisposing syndrome. Also called: Neoplastic Syndromes, Hereditary; Tumor predisposition; Hereditary Cancer Syndrome; Hereditary neoplastic syndrome. Identifiers: Orphanet 140162, MedGen C0027672, MeSH D009386, MONDO:0015356.
Oligodontia-cancer predisposition syndrome. Also called: TOOTH AGENESIS-COLORECTAL CANCER SYNDROME. Identifiers: Orphanet 300576, MedGen C1837750, MONDO:0012075, OMIM 608615. Disease mechanism: loss of function.

Allele frequency attached by ClinVar (database versions not stated): ExAC 0.00001; gnomAD 0.00001; gnomAD exomes 0.00001; 1000 Genomes Project 30x 0.00016; 1000 Genomes Project 0.00020.
gnomAD v4.1: 14 of 1,614,178 alleles (0.00087%); highest among the groups gnomAD compares: Non-Finnish European, 0.0012%; no homozygotes.

Submissions (3):

Ambry Genetics
Classification: Uncertain significance for Hereditary cancer-predisposing syndrome. Last evaluated: 2025-03-14. Review status: criteria provided, single submitter. Criteria: Ambry Variant Classification Scheme 2023. Collection method: clinical testing. Allele origin: germline.
Comment: The p.K103R variant (also known as c.308A>G), located in coding exon 1 of the AXIN2 gene, results from an A to G substitution at nucleotide position 308. The lysine at codon 103 is replaced by arginine, an amino acid with highly similar properties. This amino acid position is not well conserved in available vertebrate species. In addition, this alteration is predicted to be tolerated by in silico analysis. Since supporting evidence is limited at this time, the clinical significance of this alteration remains unclear.

Labcorp Genetics (formerly Invitae), Labcorp
Classification: Uncertain significance for Oligodontia-cancer predisposition syndrome. Last evaluated: 2024-11-06. Review status: criteria provided, single submitter. Criteria: Invitae Variant Classification Sherloc (09022015). Collection method: clinical testing. Allele origin: germline.
Comment: This sequence change replaces lysine, which is basic and polar, with arginine, which is basic and polar, at codon 103 of the AXIN2 protein (p.Lys103Arg). This variant is present in population databases (rs186514805, gnomAD 0.002%). This variant has not been reported in the literature in individuals affected with AXIN2-related conditions. ClinVar contains an entry for this variant (Variation ID: 650944). Invitae Evidence Modeling of protein sequence and biophysical properties (such as structural, functional, and spatial information, amino acid conservation, physicochemical variation, residue mobility, and thermodynamic stability) indicates that this missense variant is not expected to disrupt AXIN2 protein function with a negative predictive value of 80%. In summary, the available evidence is currently insufficient to determine the role of this variant in disease. Therefore, it has been classified as a Variant of Uncertain Significance.

Baylor Genetics
Classification: Uncertain significance for Colorectal cancer. Last evaluated: 2024-03-19. Review status: criteria provided, single submitter. Criteria: ACMG Guidelines, 2015. Collection method: clinical testing. Allele origin: unknown.